The following is an entry in ClinVar:

ClinVar aggregate classification (germline): Uncertain significance (1 of 4 stars; one submission).

Allele frequency attached by ClinVar (database versions not stated): gnomAD exomes 0.00001; ExAC 0.00002; TOPMed 0.00002; gnomAD 0.00003.
gnomAD v4.1: 25 of 1,613,484 alleles (0.0015%); highest among the groups gnomAD compares: South Asian, 0.013%; no homozygotes.

Submission:

Labcorp Genetics (formerly Invitae), Labcorp
Classification: Uncertain significance. Last evaluated: 2025-10-20. Review status: criteria provided, single submitter. Criteria: Invitae Variant Classification Sherloc (09022015). Collection method: clinical testing. Allele origin: germline.
Comment: This sequence change replaces alanine, which is neutral and non-polar, with threonine, which is neutral and polar, at codon 817 of the IGF1R protein (p.Ala817Thr). This variant is present in population databases (rs771088781, gnomAD 0.02%). This variant has not been reported in the literature in individuals affected with IGF1R-related conditions. ClinVar contains an entry for this variant (Variation ID: 2170135). Invitae Evidence Modeling of protein sequence and biophysical properties (such as structural, functional, and spatial information, amino acid conservation, physicochemical variation, residue mobility, and thermodynamic stability) indicates that this missense variant is not expected to disrupt IGF1R protein function with a negative predictive value of 80%. In summary, the available evidence is currently insufficient to determine the role of this variant in disease. Therefore, it has been classified as a Variant of Uncertain Significance.

NM_000875.5(IGF1R):c.2449G>A (p.Ala817Thr)

Gene: IGF1R (insulin like growth factor 1 receptor; plus strand). Cytogenetic location: 15q26.3.
Variant type: single nucleotide variant.
Coding change: c.2449G>A on transcript NM_000875.5 (MANE Select); coding-DNA position 2449, G replaced by A.
Protein change: p.Ala817Thr; replaces alanine 817 with threonine.
Molecular consequence: missense variant.
Genome position (GRCh38, 1-based): chr15:98,922,395, G>A. VCF-style: chr15-98922395-G-A. GRCh37 (hg19) VCF-style: chr15-99465624-G-A.
Other names: c.2449G>A, p.Ala817Thr (NM_001291858.2); short protein forms A817T.
Identifiers: ClinVar variation 2170135 (VCV002170135.4), dbSNP rs771088781, ClinGen allele CA7752392.
Genomic context (GRCh38, chr15:98,922,395, plus strand): 5'-ACATTGTACCGCATCGATATCCACAGCTGCAACCACGAGGCTGAGAAGCTGGGCTGCAGC[G>A]CCTCCAACTTCGTCTTTGCAAGGACTATGCCCGCAGGTATGGTATGATCCAGCTGGCCCC-3'
Protein context (NP_000866.1, residues 807-827): NHEAEKLGCS[Ala817Thr]SNFVFARTMP